The following is an entry in ClinVar:

ClinVar aggregate classification (germline): Uncertain significance (1 of 4 stars; one submission).

Conditions:
Holoprosencephaly 9 (HPE9). Also called: HOLOPROSENCEPHALY WITH MICROPHTHALMIA AND FIRST BRANCHIAL ARCH ANOMALIES; PITUITARY ANOMALIES WITH HOLOPROSENCEPHALY-LIKE FEATURES. Identifiers: Orphanet 2162, MedGen C1835819, MONDO:0012563, OMIM 610829.
Postaxial polydactyly-anterior pituitary anomalies-facial dysmorphism syndrome. Also called: Culler-Jones syndrome. Identifiers: Orphanet 420584, MedGen C4014479, MONDO:0014369, OMIM 615849.

Allele frequency attached by ClinVar (database versions not stated): ExAC 0.00001; gnomAD 0.00001; TOPMed 0.00001; gnomAD exomes 0.00003.
gnomAD v4.1: 42 of 1,613,194 alleles (0.0026%); highest among the groups gnomAD compares: Middle Eastern, 0.016%; no homozygotes.

Submission:

Labcorp Genetics (formerly Invitae), Labcorp
Classification: Uncertain significance for Postaxial polydactyly-anterior pituitary anomalies-facial dysmorphism syndrome; Holoprosencephaly 9. Last evaluated: 2022-10-29. Review status: criteria provided, single submitter. Criteria: Invitae Variant Classification Sherloc (09022015). Collection method: clinical testing. Allele origin: germline.
Comment: This variant has not been reported in the literature in individuals affected with GLI2-related conditions. Advanced modeling of protein sequence and biophysical properties (such as structural, functional, and spatial information, amino acid conservation, physicochemical variation, residue mobility, and thermodynamic stability) performed at Invitae indicates that this missense variant is expected to disrupt GLI2 protein function. In summary, the available evidence is currently insufficient to determine the role of this variant in disease. Therefore, it has been classified as a Variant of Uncertain Significance. This variant is present in population databases (rs747870569, gnomAD 0.002%). This sequence change replaces serine, which is neutral and polar, with leucine, which is neutral and non-polar, at codon 662 of the GLI2 protein (p.Ser662Leu).

NM_001374353.1(GLI2):c.1934C>T (p.Ser645Leu)

Gene: GLI2 (GLI family zinc finger 2; plus strand). Cytogenetic location: 2q14.2.
Variant type: single nucleotide variant.
Coding change: c.1934C>T on transcript NM_001374353.1 (MANE Select); coding-DNA position 1934, C replaced by T.
Protein change: p.Ser645Leu; replaces serine 645 with leucine.
Molecular consequence: missense variant.
Genome position (GRCh38, 1-based): chr2:120,986,306, C>T. VCF-style: chr2-120986306-C-T. GRCh37 (hg19) VCF-style: chr2-121743882-C-T.
Other names: c.1985C>T, p.Ser662Leu (NM_001371271.1, NM_005270.5); c.1559C>T, p.Ser520Leu (NM_001374354.1); short protein forms S645L, S662L, S520L.
Identifiers: ClinVar variation 2141073 (VCV002141073.4), dbSNP rs747870569, ClinGen allele CA1852091.
Genomic context (GRCh38, chr2:120,986,306, plus strand): 5'-GAGTCTGAGCCTTCTTGCCTCGTCCCCTGCAGCTGTGTCAGTCCAGCCCCGGGGCCCAGT[C>T]GTCCTGCAGCAGCGAGCCCTCTCCTCTGGGCAGTGCCCCCAACAATGACAGTGGCGTGGA-3'
Protein context (NP_001361282.1, residues 635-655): GLCQSSPGAQ[Ser645Leu]SCSSEPSPLG